The following is an entry in ClinVar:

ClinVar aggregate classification (germline): Likely pathogenic (1 of 4 stars; one submission).

Conditions:
Dilated cardiomyopathy 1G (CMD1G). Identifiers: Orphanet 154, MedGen C1858763, MONDO:0011400, OMIM 604145.
Autosomal recessive limb-girdle muscular dystrophy type 2J (LGMDR10). Also called: Limb-girdle muscular dystrophy, type 2J; MUSCULAR DYSTROPHY, LIMB-GIRDLE, AUTOSOMAL RECESSIVE 10. Identifiers: Orphanet 140922, MedGen C1837342, MONDO:0012127, OMIM 608807.

Submission:

Labcorp Genetics (formerly Invitae), Labcorp
Classification: Likely pathogenic for Dilated cardiomyopathy 1G; Autosomal recessive limb-girdle muscular dystrophy type 2J. Last evaluated: 2025-02-04. Review status: criteria provided, single submitter. Criteria: Invitae Variant Classification Sherloc (09022015). Collection method: clinical testing. Allele origin: germline.
Comment: This sequence change creates a premature translational stop signal (p.Trp31755*) in the TTN gene. While this is not anticipated to result in nonsense mediated decay, it is expected to create a truncated TTN protein. This variant is not present in population databases (gnomAD no frequency). This variant has not been reported in the literature in individuals affected with TTN-related conditions. ClinVar contains an entry for this variant (Variation ID: 1500640). This variant is located in the A band of TTN (PMID: 25589632). Truncating variants in this region are significantly overrepresented in patients affected with dilated cardiomyopathy (PMID: 25589632). Truncating variants in this region have also been reported in individuals affected with autosomal recessive centronuclear myopathy (PMID: 23975875). In summary, the currently available evidence indicates that the variant is pathogenic, but additional data are needed to prove that conclusively. Therefore, this variant has been classified as Likely Pathogenic.

Literature cited by the submitters: PubMed 25589632; PubMed 23975875.

NM_001267550.2(TTN):c.95264G>A (p.Trp31755Ter)

Genes: TTN (titin; minus strand), TTN-AS1 (TTN antisense RNA 1; plus strand). Cytogenetic location: 2q31.2.
Variant type: single nucleotide variant.
Coding change: c.95264G>A on transcript NM_001267550.2 (MANE Select); coding-DNA position 95264, G replaced by A.
Protein change: p.Trp31755Ter; replaces tryptophan 31755 with a stop codon.
Molecular consequence: nonsense.
Genome position (GRCh38, 1-based): chr2:178,545,972, C>T on the plus strand (G>A on the coding strand, the complement: TTN is on the minus strand). VCF-style: chr2-178545972-C-T. GRCh37 (hg19) VCF-style: chr2-179410699-C-T.
Other names: c.90341G>A, p.Trp30114Ter (NM_001256850.1); c.68069G>A, p.Trp22690Ter (NM_003319.4); c.87560G>A, p.Trp29187Ter (NM_133378.4); c.68444G>A, p.Trp22815Ter (NM_133432.3); c.68645G>A, p.Trp22882Ter (NM_133437.4); short protein forms W22690*, W30114*, W31755*, W22882*, W29187*, W22815*.
Identifiers: ClinVar variation 1500640 (VCV001500640.8), dbSNP rs1696912764, ClinGen allele CA349463426.